The following is an entry in ClinVar:

NM_004360.5(CDH1):c.2539_2540delinsAA (p.Ser847Asn)

Gene: CDH1 (cadherin 1; plus strand). Cytogenetic location: 16q22.1.
Variant type: Indel.
Coding change: c.2539_2540delinsAA on transcript NM_004360.5 (MANE Select); coding-DNA positions 2539 to 2540, TC replaced by AA.
Protein change: p.Ser847Asn; replaces serine 847 with asparagine.
Molecular consequence: missense variant.
Genome position (GRCh38, 1-based): chr16:68,833,389-68,833,390, TC replaced by AA. VCF-style: chr16-68833389-TC-AA. GRCh37 (hg19) VCF-style: chr16-68867292-TC-AA.
Other names: c.2356_2357delinsAA, p.Ser786Asn (NM_001317184.2); c.991_992delinsAA, p.Ser331Asn (NM_001317185.2); c.574_575delinsAA, p.Ser192Asn (NM_001317186.2); short protein forms S192N, S847N, S331N, S786N.
Identifiers: ClinVar variation 4825314 (VCV004825314.1).

ClinVar aggregate classification (germline): Uncertain significance (1 of 4 stars; one submission).

Conditions:
Hereditary cancer-predisposing syndrome. Also called: Neoplastic Syndromes, Hereditary; Tumor predisposition; Hereditary Cancer Syndrome; Hereditary neoplastic syndrome. Identifiers: Orphanet 140162, MedGen C0027672, MeSH D009386, MONDO:0015356.

Submission:

Ambry Genetics
Classification: Uncertain significance for Hereditary cancer-predisposing syndrome. Last evaluated: 2026-01-26. Review status: criteria provided, single submitter. Criteria: Ambry Variant Classification Scheme 2023. Collection method: clinical testing. Allele origin: germline.
Comment: The c.2539_2540delTCinsAA variant, located in coding exon 16 of the CDH1 gene, results from an in-frame deletion of TC and insertion of AA at nucleotide positions 2539 to 2540. This results in the substitution of the serine residue for an asparagine residue at codon 847, an amino acid with highly similar properties. This amino acid position is well conserved in available vertebrate species. Based on the available evidence, the clinical significance of this variant remains unclear.